The following is an entry in ClinVar:

ClinVar aggregate classification (germline): Uncertain significance (1 of 4 stars; one submission).

Allele frequency attached by ClinVar (database versions not stated): TOPMed below 0.00001; gnomAD 0.00001.
gnomAD v4.1: 1 of 1,613,678 alleles (0.000062%); highest among the groups gnomAD compares: Admixed American, 0.0017%; no homozygotes.

Submission:

Labcorp Genetics (formerly Invitae), Labcorp
Classification: Uncertain significance. Last evaluated: 2022-09-28. Review status: criteria provided, single submitter. Criteria: Invitae Variant Classification Sherloc (09022015). Collection method: clinical testing. Allele origin: germline.
Comment: In summary, the available evidence is currently insufficient to determine the role of this variant in disease. Therefore, it has been classified as a Variant of Uncertain Significance. Algorithms developed to predict the effect of missense changes on protein structure and function are either unavailable or do not agree on the potential impact of this missense change (SIFT: "Tolerated"; PolyPhen-2: "Probably Damaging"; Align-GVGD: "Class C0"). This variant has not been reported in the literature in individuals affected with ATPAF2-related conditions. This variant is present in population databases (no rsID available, gnomAD 0.1%). This sequence change replaces lysine, which is basic and polar, with asparagine, which is neutral and polar, at codon 285 of the ATPAF2 protein (p.Lys285Asn).

NM_145691.4(ATPAF2):c.855G>T (p.Lys285Asn)

Gene: ATPAF2 (ATP synthase mitochondrial F1 complex assembly factor 2; minus strand). Cytogenetic location: 17p11.2.
Variant type: single nucleotide variant.
Coding change: c.855G>T on transcript NM_145691.4 (MANE Select); coding-DNA position 855, G replaced by T.
Protein change: p.Lys285Asn; replaces lysine 285 with asparagine.
Molecular consequence: missense variant.
Genome position (GRCh38, 1-based): chr17:18,018,564, C>A on the plus strand (G>T on the coding strand, the complement: ATPAF2 is on the minus strand). VCF-style: chr17-18018564-C-A. GRCh37 (hg19) VCF-style: chr17-17921878-C-A.
Other names: short protein forms K285N.
Identifiers: ClinVar variation 1959697 (VCV001959697.5), dbSNP rs978059523, ClinGen allele CA288400248.